The following is an entry in ClinVar:

NM_006904.7(PRKDC):c.12301G>C (p.Glu4101Gln)

Gene: PRKDC (protein kinase, DNA-activated, catalytic subunit; minus strand). Cytogenetic location: 8q11.21.
Variant type: single nucleotide variant.
Coding change: c.12301G>C on transcript NM_006904.7 (MANE Select); coding-DNA position 12301, G replaced by C.
Protein change: p.Glu4101Gln; replaces glutamic acid 4101 with glutamine.
Molecular consequence: missense variant.
Genome position (GRCh38, 1-based): chr8:47,774,259, C>G on the plus strand (G>C on the coding strand, the complement: PRKDC is on the minus strand). VCF-style: chr8-47774259-C-G. GRCh37 (hg19) VCF-style: chr8-48686820-C-G.
Other names: c.12208G>C, p.Glu4070Gln (NM_001081640.2); short protein forms E4101Q, E4070Q.
Identifiers: ClinVar variation 1041078 (VCV001041078.5), dbSNP rs754802787, ClinGen allele CA4738859.

ClinVar aggregate classification (germline): Uncertain significance (1 of 4 stars; one submission).

Conditions:
Severe combined immunodeficiency due to DNA-PKcs deficiency. Also called: IMMUNODEFICIENCY 26 WITH NEUROLOGIC ABNORMALITIES; Immunodeficiency 26 with or without neurologic abnormalities. Identifiers: Orphanet 317425, MedGen C4014833, MONDO:0014423, OMIM 615966.

Allele frequency attached by ClinVar (database versions not stated): gnomAD 0.00001; gnomAD exomes 0.00001; TOPMed 0.00002; ExAC 0.00003.
gnomAD v4.1: 2 of 1,608,310 alleles (0.00012%); highest among the groups gnomAD compares: African/African-American, 0.0027%; no homozygotes.

Submission:

Labcorp Genetics (formerly Invitae), Labcorp
Classification: Uncertain significance for Severe combined immunodeficiency due to DNA-PKcs deficiency. Last evaluated: 2022-10-07. Review status: criteria provided, single submitter. Criteria: Invitae Variant Classification Sherloc (09022015). Collection method: clinical testing. Allele origin: germline.
Comment: This variant has not been reported in the literature in individuals affected with PRKDC-related conditions. This variant is present in population databases (rs754802787, gnomAD 0.01%). This sequence change replaces glutamic acid, which is acidic and polar, with glutamine, which is neutral and polar, at codon 4101 of the PRKDC protein (p.Glu4101Gln). ClinVar contains an entry for this variant (Variation ID: 1041078). In summary, the available evidence is currently insufficient to determine the role of this variant in disease. Therefore, it has been classified as a Variant of Uncertain Significance. Experimental studies and prediction algorithms are not available or were not evaluated, and the functional significance of this variant is currently unknown.